The following is an entry in ClinVar:

NM_017780.4(CHD7):c.3887A>T (p.Asp1296Val)

Gene: CHD7 (chromodomain helicase DNA binding protein 7; plus strand). Cytogenetic location: 8q12.2.
Variant type: single nucleotide variant.
Coding change: c.3887A>T on transcript NM_017780.4 (MANE Select); coding-DNA position 3887, A replaced by T.
Protein change: p.Asp1296Val; replaces aspartic acid 1296 with valine.
Molecular consequence: missense variant. On other transcripts: intron variant (1).
Genome position (GRCh38, 1-based): chr8:60,836,181, A>T. VCF-style: chr8-60836181-A-T. GRCh37 (hg19) VCF-style: chr8-61748740-A-T.
Other names: c.1717-26048A>T (NM_001316690.1); short protein forms D1296V.
Identifiers: ClinVar variation 1735846 (VCV001735846.2), dbSNP rs2487896099, ClinGen allele CA371316320.
Genomic context (GRCh38, chr8:60,836,181, plus strand): 5'-AGTCTCCAGATTTTCAGCTCCAGGCAATGATCCAGGCTGCTGGCAAGCTAGTGCTGATTG[A>T]CAAGCTGCTGCCAAAACTGAAGGCTGGTGGCCACAGGGTGCTTATCTTTTCCCAGATGGT-3'
Protein context (NP_060250.2, residues 1286-1306): IQAAGKLVLI[Asp1296Val]KLLPKLKAGG

ClinVar aggregate classification (germline): Uncertain significance (1 of 4 stars; one submission).

Conditions:
Inborn genetic diseases. Identifiers: MedGen C0950123, MeSH D030342.

Submission:

Ambry Genetics
Classification: Uncertain significance for Inborn genetic diseases. Last evaluated: 2021-11-19. Review status: criteria provided, single submitter. Criteria: Ambry Variant Classification Scheme 2023. Collection method: clinical testing. Allele origin: germline.
Comment: The p.D1296V variant (also known as c.3887A>T), located in coding exon 15 of the CHD7 gene, results from an A to T substitution at nucleotide position 3887. The aspartic acid at codon 1296 is replaced by valine, an amino acid with highly dissimilar properties. This variant has been determined to be the result of a de novo mutation or germline mosaicism in one family with an isolated case of CHARGE syndrome. This amino acid position is highly conserved in available vertebrate species. In addition, this alteration is predicted to be deleterious by in silico analysis. Since supporting evidence is limited at this time, the clinical significance of this alteration remains unclear.